The following is an entry in ClinVar:

NM_004369.4(COL6A3):c.1529C>T (p.Thr510Ile)

Gene: COL6A3 (collagen type VI alpha 3 chain; minus strand). Cytogenetic location: 2q37.3.
Variant type: single nucleotide variant.
Coding change: c.1529C>T on transcript NM_004369.4 (MANE Select); coding-DNA position 1529, C replaced by T.
Protein change: p.Thr510Ile; replaces threonine 510 with isoleucine.
Molecular consequence: missense variant.
Genome position (GRCh38, 1-based): chr2:237,381,283, G>A on the plus strand (C>T on the coding strand, the complement: COL6A3 is on the minus strand). VCF-style: chr2-237381283-G-A. GRCh37 (hg19) VCF-style: chr2-238289926-G-A.
Other names: c.308C>T, p.Thr103Ile (NM_057164.5, NM_057166.5); c.911C>T, p.Thr304Ile (NM_057165.5, NM_057167.4); short protein forms T510I, T103I, T304I.
Identifiers: ClinVar variation 423979 (VCV000423979.2), dbSNP rs555333405, ClinGen allele CA2189607.

ClinVar aggregate classification (germline): Uncertain significance (1 of 4 stars; one submission).

Allele frequency attached by ClinVar (database versions not stated): gnomAD 0.00001; gnomAD exomes 0.00001; TOPMed 0.00001 and 0.00002; ExAC 0.00002.
gnomAD v4.1: 20 of 1,614,142 alleles (0.0012%); highest among the groups gnomAD compares: Non-Finnish European, 0.0017%; no homozygotes.

Submission:

GeneDx
Classification: Uncertain significance. Last evaluated: 2017-03-01. Review status: criteria provided, single submitter. Criteria: GeneDx Variant Classification (06012015). Collection method: clinical testing. Allele origin: germline. Affected: yes.
Comment: The T510I variant has not been published as a pathogenic variant, nor has it been reported as a benign variant to our knowledge. The T510I variant is observed in 3/66710 (0.004%) alleles from individuals of European background (Lek et al., 2016; 1000 Genomes Consortium et al., 2015; Exome Variant Server). This variant is a non-conservative amino acid substitution, which is likely to impact secondary protein structure as these residues differ in polarity, charge, size and/or other properties. However, this substitution occurs at a position not conserved, and in silico analysis is inconsistent in its predictions as to whether or not the variant is damaging to the protein structure/function.